The following is an entry in ClinVar:

ClinVar aggregate classification (germline): Pathogenic/Likely pathogenic. Review status: criteria provided, multiple submitters, no conflicts (2 of 4 stars). 3 submissions from 3 submitters: Pathogenic (1); Likely pathogenic (1). 1 of the submissions does not count toward it. Last evaluated 2025-04-11.

Conditions:
DUOX2-related disorder. Also called: DUOX2-related condition.
Thyroid dyshormonogenesis 6 (TDH6). Also called: HYPOTHYROIDISM, CONGENITAL, DUE TO DYSHORMONOGENESIS, 6; Genetic transient congenital hypothyroidism; THYROID HORMONOGENESIS, GENETIC DEFECT IN, 6. Identifiers: Orphanet 226316, Orphanet 95716, MedGen C1846632, MONDO:0011792, OMIM 607200.

Allele frequency attached by ClinVar (database versions not stated): TOPMed 0.00001; ExAC 0.00003; gnomAD 0.00003.
gnomAD v4.1: 20 of 1,614,172 alleles (0.0012%); highest among the groups gnomAD compares: East Asian, 0.022%; no homozygotes.

Submissions (3):

Labcorp Genetics (formerly Invitae), Labcorp
Classification: Pathogenic. Last evaluated: 2025-04-11. Review status: criteria provided, single submitter. Criteria: Invitae Variant Classification Sherloc (09022015). Collection method: clinical testing. Allele origin: germline.
Comment: This sequence change replaces alanine, which is neutral and non-polar, with threonine, which is neutral and polar, at codon 1206 of the DUOX2 protein (p.Ala1206Thr). This variant is present in population databases (rs762588205, gnomAD 0.02%). This missense change has been observed in individuals with clinical features of thyroid dyshormonogenesis / partial iodide organification defect (PMID: 24735383, 26709262, 29435108, 32319661, 32425884, 34564849). ClinVar contains an entry for this variant (Variation ID: 2137663). Invitae Evidence Modeling of protein sequence and biophysical properties (such as structural, functional, and spatial information, amino acid conservation, physicochemical variation, residue mobility, and thermodynamic stability) has been performed for this missense variant. However, the output from this modeling did not meet the statistical confidence thresholds required to predict the impact of this variant on DUOX2 protein function. Experimental studies have shown that this missense change affects DUOX2 function (PMID: 29435108, 34564849). For these reasons, this variant has been classified as Pathogenic.

Juno Genomics, Hangzhou Juno Genomics, Inc
Classification: Likely pathogenic for Thyroid dyshormonogenesis 6. Review status: criteria provided, single submitter. Criteria: ACMG Guidelines, 2015. Collection method: clinical testing. Allele origin: germline.
Comment: Absent from controls (or at extremely low frequency if recessive) in Genome Aggregation Database.;For recessive disorders, detected in trans with a pathogenic variant.;Patient's phenotype or family history is highly specific for a disease with a single genetic etiology.;Well-established in vitro or in vivo functional studies supportive of a damaging effect on the gene or gene product.

PreventionGenetics, part of Exact Sciences
Classification: Pathogenic for DUOX2-related condition. Last evaluated: 2024-06-20. Review status: no assertion criteria provided. Collection method: clinical testing. Allele origin: germline. Not counted in ClinVar's aggregate classification.
Comment: The DUOX2 c.3616G>A variant is predicted to result in the amino acid substitution p.Ala1206Thr. This variant was reported in an individual with thyroid dyshormonogenesis (Wang et al. 2014. PubMed ID: 24735383; Liu et al. 2016. PubMed ID: 29435108; Supplementary Table, Sun et al. 2018. PubMed ID: 29650690). Functional studies also indicate this variant impacts DUOX2 function (Liu et al. 2016. PubMed ID: 29435108; Sun et al. 2021. PubMed ID: 34564849). This variant is reported in 0.016% of alleles in individuals of East Asian descent in gnomAD. Taken together, this variant is interpreted as pathogenic.

Literature cited by the submitters: PubMed 24735383 (cited by Labcorp Genetics (formerly Invitae), Labcorp); PubMed 26709262 (cited by Labcorp Genetics (formerly Invitae), Labcorp); PubMed 29435108 (cited by Labcorp Genetics (formerly Invitae), Labcorp); PubMed 32319661 (cited by Labcorp Genetics (formerly Invitae), Labcorp); PubMed 32425884 (cited by Labcorp Genetics (formerly Invitae), Labcorp); PubMed 34564849 (cited by Labcorp Genetics (formerly Invitae), Labcorp).

NM_001363711.2(DUOX2):c.3616G>A (p.Ala1206Thr)

Gene: DUOX2 (dual oxidase 2; minus strand). Cytogenetic location: 15q21.1.
Variant type: single nucleotide variant.
Coding change: c.3616G>A on transcript NM_001363711.2 (MANE Select); coding-DNA position 3616, G replaced by A.
Protein change: p.Ala1206Thr; replaces alanine 1206 with threonine.
Molecular consequence: missense variant.
Genome position (GRCh38, 1-based): chr15:45,097,691, C>T on the plus strand (G>A on the coding strand, the complement: DUOX2 is on the minus strand). VCF-style: chr15-45097691-C-T. GRCh37 (hg19) VCF-style: chr15-45389889-C-T.
Other names: c.3616G>A (NM_014080.4); c.3616G>A, p.Ala1206Thr (NM_014080.5); short protein forms A1206T.
Identifiers: ClinVar variation 2137663 (VCV002137663.8), dbSNP rs762588205, ClinGen allele CA7537795.